The following is an entry in ClinVar:

ClinVar aggregate classification (germline): Benign (0 of 4 stars; one submission).

Conditions:
ZNF141-related disorder. Also called: ZNF141-related condition.

Allele frequency attached by ClinVar (database versions not stated): 1000 Genomes Project 30x 0.00968; 1000 Genomes Project 0.01038; gnomAD 0.01234; TOPMed 0.01337.
gnomAD v4.1: 3,875 of 286,954 alleles (1.4%); highest among the groups gnomAD compares: Middle Eastern, 2.7%; 44 homozygotes.

Submission:

PreventionGenetics, part of Exact Sciences
Classification: Benign for ZNF141-related condition. Last evaluated: 2019-09-18. Review status: no assertion criteria provided. Collection method: clinical testing. Allele origin: germline.
Comment: This variant is classified as benign based on ACMG/AMP sequence variant interpretation guidelines (Richards et al. 2015 PMID: 25741868, with internal and published modifications).

NM_003441.4(ZNF141):c.226+13976G>A

Gene: ZNF141 (zinc finger protein 141; plus strand). Cytogenetic location: 4p16.3.
Variant type: single nucleotide variant.
Coding change: c.226+13976G>A on transcript NM_003441.4 (MANE Select); 13976 bases into the intron after coding-DNA position 226, G replaced by A.
Molecular consequence: intron variant. On other transcripts: missense variant (1), 3 prime UTR variant (1).
Genome position (GRCh38, 1-based): chr4:358,406, G>A. VCF-style: chr4-358406-G-A. GRCh37 (hg19) VCF-style: chr4-352195-G-A.
Other names: c.425G>A, p.Arg142Gln (NM_001348279.2); c.*448G>A (NM_001348280.2); c.226+13976G>A (NM_001348278.2); c.-2-14258G>A (NM_001348277.2); short protein forms R142Q.
Identifiers: ClinVar variation 3043123 (VCV003043123.2), dbSNP rs190099924, ClinGen allele CA2791675.